The following is an entry in ClinVar:

ClinVar aggregate classification (germline): Uncertain significance (1 of 4 stars; one submission).

Submission:

Labcorp Genetics (formerly Invitae), Labcorp
Classification: Uncertain significance. Last evaluated: 2021-04-24. Review status: criteria provided, single submitter. Criteria: Invitae Variant Classification Sherloc (09022015). Collection method: clinical testing. Allele origin: germline.
Comment: This sequence change replaces glycine with aspartic acid at codon 212 of the SCO2 protein (p.Gly212Asp). The glycine residue is moderately conserved and there is a moderate physicochemical difference between glycine and aspartic acid. This variant is not present in population databases (ExAC no frequency). This variant has not been reported in the literature in individuals with SCO2-related conditions. Algorithms developed to predict the effect of missense changes on protein structure and function are either unavailable or do not agree on the potential impact of this missense change (SIFT: "Deleterious"; PolyPhen-2: "Probably Damaging"; Align-GVGD: "Class C0"). In summary, the available evidence is currently insufficient to determine the role of this variant in disease. Therefore, it has been classified as a Variant of Uncertain Significance.

NM_005138.3(SCO2):c.635G>A (p.Gly212Asp)

Genes: NCAPH2 (non-SMC condensin II complex subunit H2; plus strand), SCO2 (synthesis of cytochrome C oxidase 2; minus strand). Cytogenetic location: 22q13.33.
Variant type: single nucleotide variant.
Coding change: c.635G>A on transcript NM_005138.3 (MANE Select); coding-DNA position 635, G replaced by A.
Protein change: p.Gly212Asp; replaces glycine 212 with aspartic acid.
Molecular consequence: missense variant. On other transcripts: 3 prime UTR variant (2).
Genome position (GRCh38, 1-based): chr22:50,523,777, C>T on the plus strand (G>A on the coding strand, the complement: SCO2 is on the minus strand). VCF-style: chr22-50523777-C-T. GRCh37 (hg19) VCF-style: chr22-50962206-C-T.
Other names: c.*402C>T (NM_001185011.2, NM_152299.4); c.635G>A, p.Gly212Asp (NM_001169109.2, NM_001169110.1, NM_001169111.2); short protein forms G212D.
Identifiers: ClinVar variation 1473886 (VCV001473886.8), dbSNP rs1303341594, ClinGen allele CA412191744.